The following is an entry in ClinVar:

NM_002691.4(POLD1):c.1892+10C>T

Gene: POLD1 (DNA polymerase delta 1, catalytic subunit; plus strand). Cytogenetic location: 19q13.33.
Variant type: single nucleotide variant.
Coding change: c.1892+10C>T on transcript NM_002691.4 (MANE Select); 10 bases into the intron after coding-DNA position 1892, C replaced by T.
Molecular consequence: intron variant.
Genome position (GRCh38, 1-based): chr19:50,408,911, C>T. VCF-style: chr19-50408911-C-T. GRCh37 (hg19) VCF-style: chr19-50912168-C-T.
Other names: c.1892+10C>T (LRG_785t1, NM_001256849.1); c.1970+10C>T (LRG_785t2, NM_001308632.1).
Identifiers: ClinVar variation 391591 (VCV000391591.9), dbSNP rs1057524154, ClinGen allele CA16608349.

ClinVar aggregate classification (germline): Likely benign. Review status: criteria provided, multiple submitters, no conflicts (2 of 4 stars). 2 submissions from 2 submitters: Likely benign (2). Last evaluated 2026-01-26.

Conditions:
POLD1-related polyposis and colorectal cancer syndrome (CRCS10). Also called: Colorectal cancer, susceptibility to, 10; Colorectal cancer 10; COLORECTAL CANCER, SUSCEPTIBILITY TO, ON CHROMOSOME 19q. Identifiers: Orphanet 220460, MedGen C2675481, MONDO:0012953, OMIM 612591.

Allele frequency attached by ClinVar (database versions not stated): gnomAD exomes 0.00001; TOPMed 0.00001.
gnomAD v4.1: 3 of 1,604,470 alleles (0.00019%); highest among the groups gnomAD compares: Admixed American, 0.0017%; no homozygotes.

Submissions (2):

Labcorp Genetics (formerly Invitae), Labcorp
Classification: Likely benign for POLD1-related polyposis and colorectal cancer syndrome. Last evaluated: 2026-01-26. Review status: criteria provided, single submitter. Criteria: Invitae Variant Classification Sherloc (09022015). Collection method: clinical testing. Allele origin: germline.

GeneDx
Classification: Likely benign. Last evaluated: 2016-12-06. Review status: criteria provided, single submitter. Criteria: GeneDx Variant Classification (06012015). Collection method: clinical testing. Allele origin: germline. Affected: yes.
Comment: This variant is considered likely benign or benign based on one or more of the following criteria: it is a conservative change, it occurs at a poorly conserved position in the protein, it is predicted to be benign by multiple in silico algorithms, and/or has population frequency not consistent with disease.